The following is an entry in ClinVar:

ClinVar aggregate classification (germline): Pathogenic (1 of 4 stars; one submission).

Conditions:
Neurofibromatosis, type 1 (NF1). Also called: VON RECKLINGHAUSEN DISEASE; NEUROFIBROMATOSIS, TYPE I, SOMATIC; Peripheral type neurofibromatosis; Neurofibromatosis, type I. Identifiers: Orphanet 636, MedGen C0027831, MONDO:0018975, OMIM 162200. Disease mechanism: loss of function.

Submission:

Labcorp Genetics (formerly Invitae), Labcorp
Classification: Pathogenic for Neurofibromatosis, type 1. Last evaluated: 2017-11-27. Review status: criteria provided, single submitter. Criteria: Invitae Variant Classification Sherloc (09022015). Collection method: clinical testing. Allele origin: germline.
Comment: This sequence change creates a premature translational stop signal (p.Asp1460Ilefs*2) in the NF1 gene. It is expected to result in an absent or disrupted protein product. This variant is not present in population databases (ExAC no frequency). This variant has been reported in an individual with neurofibromatosis type 1 in the Leiden Open-source Variation Database (PMID: 21520333). Loss-of-function variants in NF1 are known to be pathogenic (PMID: 10712197, 23913538). For these reasons, this variant has been classified as Pathogenic.

Literature cited by the submitters: PubMed 21520333.

NM_001042492.3(NF1):c.4438del (p.Asp1481fs)

Gene: NF1 (neurofibromin 1; plus strand). Cytogenetic location: 17q11.2.
Variant type: Deletion.
Coding change: c.4438del on transcript NM_001042492.3 (MANE Select); coding-DNA position 4438, one base deleted (C; older notation c.4438delC).
Protein change: p.Asp1481fs; shifts the reading frame from aspartic acid 1481.
Molecular consequence: frameshift variant.
Genome position (GRCh38, 1-based): chr17:31,260,376, C deleted; the last of 2 consecutive C bases (chr17:31,260,375-31,260,376); deleting either gives the same sequence. VCF-style (leftmost placement, unchanged base first): chr17-31260374-TC-T. GRCh37 (hg19) VCF-style: chr17-29587392-TC-T.
Other names: c.4375delC, p.Asp1460Ilefs (NM_000267.4); c.4375delC (NM_000267.3); short protein forms D1460fs, D1481fs.
Identifiers: ClinVar variation 527443 (VCV000527443.1), dbSNP rs1555618806, ClinGen allele CA658798801.
Genomic context (GRCh38, chr17:31,260,374, plus strand): 5'-CATAAGTCTGGGTGTATCTGGTGTTGAAAATTCTAATGACTTTGCATTTTTGAAGGTTTT[TC>T]CTTGATATAGCATCTGATTGTCCTACAAGTGATGCAGTAAATCATAGTCTTTCCTTCATA-3'